The following is an entry in ClinVar:

NM_000388.4(CASR):c.647A>G (p.Asp216Gly)

Gene: CASR (calcium sensing receptor; plus strand). Cytogenetic location: 3q21.1.
Variant type: single nucleotide variant.
Coding change: c.647A>G on transcript NM_000388.4 (MANE Select); coding-DNA position 647, A replaced by G.
Protein change: p.Asp216Gly; replaces aspartic acid 216 with glycine.
Molecular consequence: missense variant.
Genome position (GRCh38, 1-based): chr3:122,261,682, A>G. VCF-style: chr3-122261682-A-G. GRCh37 (hg19) VCF-style: chr3-121980529-A-G.
Other names: c.647A>G, p.Asp216Gly (NM_001178065.2); short protein forms D216G.
Identifiers: ClinVar variation 4683157 (VCV004683157.2).

ClinVar aggregate classification (germline): Conflicting classifications of pathogenicity. Review status: criteria provided, conflicting classifications (1 of 4 stars). 2 submissions from 2 submitters: Likely pathogenic (1); Uncertain significance (1). Last evaluated 2025-04-02.

Conditions:
CASR-related disorder. Also called: CASR-related condition.
Familial hyperparathyroidism or Hypocalciuric hypercalcaemia.

Submissions (2):

Cambridge Genomics Laboratory, East Genomic Laboratory Hub, NHS Genomic Medicine Service
Classification: Uncertain significance for Familial hyperparathyroidism or Hypocalciuric hypercalcaemia. Last evaluated: 2025-04-02. Review status: criteria provided, single submitter. Criteria: ACGS Best Practice Guidelines for Variant Classification in Rare Disease 2020. Collection method: clinical testing. Allele origin: germline. Affected: yes.
Comment: PM1_Supporting,PM2,PP2,PP3

Blueprint Genetics
Classification: Likely pathogenic for CASR-related disorders. Last evaluated: 2019-10-22. Review status: criteria provided, single submitter. Criteria: ACMG Guidelines, 2015. Collection method: clinical testing. Allele origin: germline. Affected: yes. Observed: 1 variant allele.